The following is an entry in ClinVar:

ClinVar aggregate classification (germline): Uncertain significance (1 of 4 stars; one submission).

Allele frequency attached by ClinVar (database versions not stated): gnomAD exomes below 0.00001 and 0.00001; ExAC 0.00001; TOPMed 0.00002.
gnomAD v4.1: 19 of 1,614,150 alleles (0.0012%); highest among the groups gnomAD compares: Non-Finnish European, 0.0014%; no homozygotes.

Submission:

Labcorp Genetics (formerly Invitae), Labcorp
Classification: Uncertain significance. Last evaluated: 2026-01-19. Review status: criteria provided, single submitter. Criteria: Invitae Variant Classification Sherloc (09022015). Collection method: clinical testing. Allele origin: germline.
Comment: This sequence change replaces serine, which is neutral and polar, with glycine, which is neutral and non-polar, at codon 1260 of the TTLL5 protein (p.Ser1260Gly). This variant is present in population databases (rs770500674, gnomAD 0.0009%). This variant has not been reported in the literature in individuals affected with TTLL5-related conditions. ClinVar contains an entry for this variant (Variation ID: 1483236). An algorithm developed to predict the effect of missense changes on protein structure and function (PolyPhen-2) suggests that this variant is likely to be tolerated. In summary, the available evidence is currently insufficient to determine the role of this variant in disease. Therefore, it has been classified as a Variant of Uncertain Significance.

NM_015072.5(TTLL5):c.3778A>G (p.Ser1260Gly)

Gene: TTLL5 (tubulin tyrosine ligase like 5; plus strand). Cytogenetic location: 14q24.3.
Variant type: single nucleotide variant.
Coding change: c.3778A>G on transcript NM_015072.5 (MANE Select); coding-DNA position 3778, A replaced by G.
Protein change: p.Ser1260Gly; replaces serine 1260 with glycine.
Molecular consequence: missense variant.
Genome position (GRCh38, 1-based): chr14:75,902,179, A>G. VCF-style: chr14-75902179-A-G. GRCh37 (hg19) VCF-style: chr14-76368522-A-G.
Other names: short protein forms S1260G.
Identifiers: ClinVar variation 1483236 (VCV001483236.7), dbSNP rs770500674, ClinGen allele CA7280164.
Genomic context (GRCh38, chr14:75,902,179, plus strand): 5'-GACCAAGCTCCTTTGTGTTTCAGAGGGTCCTCCGCGGAAGGGCAGCTGAATGGACTCCAG[A>G]GCAGCCTTAACCCTGCAGCCTTTGTGCCCATCACCAGCTCTACAGGTTAGTGGGCACCAG-3'
Protein context (NP_055887.3, residues 1250-1270): SAEGQLNGLQ[Ser1260Gly]SLNPAAFVPI